The following is an entry in ClinVar:

ClinVar aggregate classification (germline): Uncertain significance. Review status: criteria provided, multiple submitters, no conflicts (2 of 4 stars). 3 submissions from 3 submitters: Uncertain significance (3). Last evaluated 2024-10-25.

Conditions:
Tuberous sclerosis 2 (TSC2). Identifiers: Orphanet 805, MedGen C1860707, MONDO:0013199, OMIM 613254.
Hereditary cancer-predisposing syndrome. Also called: Hereditary Cancer Syndrome; Tumor predisposition; Hereditary neoplastic syndrome; Neoplastic Syndromes, Hereditary. Identifiers: Orphanet 140162, MedGen C0027672, MeSH D009386, MONDO:0015356.

gnomAD v4.1: 4 of 1,591,722 alleles (0.00025%); highest among the groups gnomAD compares: South Asian, 0.0023%; no homozygotes.

Submissions (3):

Blueprint Genetics
Classification: Uncertain significance. Last evaluated: 2024-10-25. Review status: criteria provided, single submitter. Criteria: ACMG Guidelines, 2015. Collection method: clinical testing. Allele origin: germline.

Ambry Genetics
Classification: Uncertain significance for Hereditary cancer-predisposing syndrome. Last evaluated: 2024-06-28. Review status: criteria provided, single submitter. Criteria: Ambry Variant Classification Scheme 2023. Collection method: clinical testing. Allele origin: germline.
Comment: The p.L693V variant (also known as c.2077C>G), located in coding exon 18 of the TSC2 gene, results from a C to G substitution at nucleotide position 2077. The leucine at codon 693 is replaced by valine, an amino acid with highly similar properties. This amino acid position is highly conserved in available vertebrate species. In addition, the in silico prediction for this alteration is inconclusive. Since supporting evidence is limited at this time, the clinical significance of this alteration remains unclear.

Labcorp Genetics (formerly Invitae), Labcorp
Classification: Uncertain significance for Tuberous sclerosis 2. Last evaluated: 2024-05-14. Review status: criteria provided, single submitter. Criteria: Invitae Variant Classification Sherloc (09022015). Collection method: clinical testing. Allele origin: germline.
Comment: This sequence change replaces leucine, which is neutral and non-polar, with valine, which is neutral and non-polar, at codon 693 of the TSC2 protein (p.Leu693Val). This variant is not present in population databases (gnomAD no frequency). This variant has not been reported in the literature in individuals affected with TSC2-related conditions. ClinVar contains an entry for this variant (Variation ID: 1051118). Advanced modeling of protein sequence and biophysical properties (such as structural, functional, and spatial information, amino acid conservation, physicochemical variation, residue mobility, and thermodynamic stability) performed at Invitae indicates that this missense variant is not expected to disrupt TSC2 protein function with a negative predictive value of 95%. In summary, the available evidence is currently insufficient to determine the role of this variant in disease. Therefore, it has been classified as a Variant of Uncertain Significance.

NM_000548.5(TSC2):c.2077C>G (p.Leu693Val)

Gene: TSC2 (TSC complex subunit 2; plus strand). Cytogenetic location: 16p13.3.
Variant type: single nucleotide variant.
Coding change: c.2077C>G on transcript NM_000548.5 (MANE Select); coding-DNA position 2077, C replaced by G.
Protein change: p.Leu693Val; replaces leucine 693 with valine.
Molecular consequence: missense variant.
Genome position (GRCh38, 1-based): chr16:2,071,914, C>G. VCF-style: chr16-2071914-C-G. GRCh37 (hg19) VCF-style: chr16-2121915-C-G.
Other names: c.2077C>G, p.Leu693Val (NM_001077183.3, NM_001114382.3, NM_001363528.2 and 3 more transcripts); c.1966C>G, p.Leu656Val (NM_001318827.2); c.1930C>G, p.Leu644Val (NM_001318829.2); c.1477C>G, p.Leu493Val (NM_001318831.2); c.2110C>G, p.Leu704Val (NM_001318832.2); short protein forms L493V, L644V, L656V, L693V, L704V.
Identifiers: ClinVar variation 1051118 (VCV001051118.11), dbSNP rs1167258871, ClinGen allele CA394274694.